The following is an entry in ClinVar:

ClinVar aggregate classification (germline): Uncertain significance (1 of 4 stars; one submission).

Conditions:
Genitopatellar syndrome (GTPTS). Also called: Genitopatellar syndrome (GPS); ABSENT PATELLAE, SCROTAL HYPOPLASIA, RENAL ANOMALIES, FACIAL DYSMORPHISM, AND MENTAL RETARDATION. Identifiers: Orphanet 85201, MedGen C1853566, MONDO:0011640, OMIM 606170.

Submission:

Labcorp Genetics (formerly Invitae), Labcorp
Classification: Uncertain significance for Genitopatellar syndrome. Last evaluated: 2023-08-24. Review status: criteria provided, single submitter. Criteria: Invitae Variant Classification Sherloc (09022015). Collection method: clinical testing. Allele origin: germline.
Comment: In summary, the available evidence is currently insufficient to determine the role of this variant in disease. Therefore, it has been classified as a Variant of Uncertain Significance. This variant has not been reported in the literature in individuals affected with KAT6B-related conditions. A copy number gain of the genomic region encompassing the full coding sequence of the KAT6B gene has been identified. The boundaries of this event are unknown as they extend beyond the assayed region for this gene and therefore may encompass additional genes. As the precise location of this event is unknown, it may be in tandem or it may be located elsewhere in the genome.

NC_000010.10:g.(?_75671314)_(79799964_?)dup

Genes: COMTD1 (catechol-O-methyltransferase domain containing 1; minus strand), DLG5 (discs large MAGUK scaffold protein 5; minus strand), DUSP13B (dual specificity phosphatase 13B; minus strand), DUSP29 (dual specificity phosphatase 29; minus strand), AP3M1 (adaptor related protein complex 3 subunit mu 1; minus strand) and 12 more. Cytogenetic location: 10q22.2-22.3.
Variant type: Duplication.
Identifiers: ClinVar variation 2425796 (VCV002425796.3).